The following is an entry in ClinVar:

NM_002150.3(HPD):c.1018G>T (p.Val340Leu)

Genes: HPD (4-hydroxyphenylpyruvate dioxygenase; minus strand), TIALD (transcript inducer of AURKA lysosomal degradation; plus strand). Cytogenetic location: 12q24.31.
Variant type: single nucleotide variant.
Coding change: c.1018G>T on transcript NM_002150.3 (MANE Select); coding-DNA position 1018, G replaced by T.
Protein change: p.Val340Leu; replaces valine 340 with leucine.
Molecular consequence: missense variant.
Genome position (GRCh38, 1-based): chr12:121,839,985, C>A on the plus strand (G>T on the coding strand, the complement: HPD is on the minus strand). VCF-style: chr12-121839985-C-A. GRCh37 (hg19) VCF-style: chr12-122277891-C-A.
Other names: c.901G>T, p.Val301Leu (NM_001171993.2); short protein forms V301L, V340L.
Identifiers: ClinVar variation 307478 (VCV000307478.24), dbSNP rs36023382, ClinGen allele CA6839439.
Genomic context (GRCh38, chr12:121,839,985, plus strand): 5'-GCAGTACCTGGTGGTTGTGGCGCTGGATGACTTCCAGGAAGAGCGTGGGCCGGTCCTGCA[C>A]CGGTTTGGTGAAGATCTGCAGGAGGTAGCCTTTCTCGTCGTAGTCCACCAGGATTTTCAG-3'
Protein context (NP_002141.2, residues 330-350): GYLLQIFTKP[Val340Leu]QDRPTLFLEV

ClinVar aggregate classification (germline): Benign/Likely benign. Review status: criteria provided, multiple submitters, no conflicts (2 of 4 stars). 7 submissions from 6 submitters: Benign (6); Likely benign (1). Last evaluated 2026-05-24.

Conditions:
Hawkinsinuria. Identifiers: Orphanet 2118, MedGen C2931042, MONDO:0007700, OMIM 140350, HP:0034457.
Tyrosinemia type III. Also called: Tyrosinemia type 3; 4-alpha hydroxyphenylpyruvic acid oxidase deficiency; 4-alpha hydroxyphenylpyruvate dioxygenase deficiency; 4-Hydroxyphenylpyruvate dioxygenase deficiency; 4-HYDROXYPHENYLPYRUVIC ACID OXIDASE DEFICIENCY. Identifiers: Orphanet 69723, MedGen C0268623, MONDO:0010162, OMIM 276710.

Allele frequency attached by ClinVar (database versions not stated): ESP Exome Variant Server 0.01130; gnomAD 0.01235 and 0.01265; ExAC 0.01343; TOPMed 0.01343; 1000 Genomes Project 0.01897; 1000 Genomes Project 30x 0.01921.
gnomAD v4.1: 14,180 of 1,613,768 alleles (0.88%); highest among the groups gnomAD compares: Middle Eastern, 3.2%; 209 homozygotes.

Submissions (7):

Women's Health and Genetics/Laboratory Corporation of America, LabCorp
Classification: Likely benign. Last evaluated: 2026-05-24. Review status: criteria provided, single submitter. Criteria: LabCorp Variant Classification Summary - May 2015. Collection method: clinical testing. Allele origin: germline.

Labcorp Genetics (formerly Invitae), Labcorp
Classification: Benign for Tyrosinemia type III; Hawkinsinuria. Last evaluated: 2026-02-02. Review status: criteria provided, single submitter. Criteria: Invitae Variant Classification Sherloc (09022015). Collection method: clinical testing. Allele origin: germline.

CeGaT Center for Human Genetics Tuebingen
Classification: Benign. Last evaluated: 2025-11-01. Review status: criteria provided, single submitter. Criteria: CeGaT Center For Human Genetics Tuebingen Variant Classification Criteria Version 2. Collection method: clinical testing. Allele origin: germline. Affected: yes. Observed: 1 variant allele.
Comment: HPD: BP4, BS1, BS2

GeneDx
Classification: Benign. Last evaluated: 2020-10-21. Review status: criteria provided, single submitter. Criteria: GeneDx Variant Classification Process June 2021. Collection method: clinical testing. Allele origin: germline. Affected: yes.

Illumina Laboratory Services, Illumina
Classification: Benign for Tyrosinemia type III. Last evaluated: 2018-01-12. Review status: criteria provided, single submitter. Criteria: ICSL Variant Classification Criteria 13 December 2019. Collection method: clinical testing. Allele origin: germline.
Comment: This variant was observed in the ICSL laboratory as part of a predisposition screen in an ostensibly healthy population. It had not been previously curated by ICSL or reported in the Human Gene Mutation Database (HGMD: prior to June 1st, 2018), and was therefore a candidate for classification through an automated scoring system. Utilizing variant allele frequency, disease prevalence and penetrance estimates, and inheritance mode, an automated score was calculated to assess if this variant is too frequent to cause the disease. Based on the score and internal cut-off values, a variant classified as benign is not then subjected to further curation. The score for this variant resulted in a classification of benign for this disease.

Illumina Laboratory Services, Illumina
Classification: Benign for Hawkinsinuria. Last evaluated: 2018-01-12. Review status: criteria provided, single submitter. Criteria: ICSL Variant Classification Criteria 13 December 2019. Collection method: clinical testing. Allele origin: germline.
Comment: the same text as in the submission from Illumina Laboratory Services, Illumina above.

Breakthrough Genomics
Classification: Benign. Review status: criteria provided, single submitter. Criteria: ACMG Guidelines, 2015. Collection method: not provided. Allele origin: germline. Inheritance: Autosomal recessive inheritance. Affected: yes.